The following is an entry in ClinVar:

NM_000159.4(GCDH):c.737C>T (p.Ser246Leu)

Gene: GCDH (glutaryl-CoA dehydrogenase; plus strand). Cytogenetic location: 19p13.13.
Variant type: single nucleotide variant.
Coding change: c.737C>T on transcript NM_000159.4 (MANE Select); coding-DNA position 737, C replaced by T.
Protein change: p.Ser246Leu; replaces serine 246 with leucine.
Molecular consequence: missense variant. On other transcripts: non-coding transcript variant (2).
Genome position (GRCh38, 1-based): chr19:12,896,306, C>T. VCF-style: chr19-12896306-C-T. GRCh37 (hg19) VCF-style: chr19-13007120-C-T.
Other names: c.737C>T, p.Ser246Leu (NM_013976.5); short protein forms S246L.
Identifiers: ClinVar variation 459952 (VCV000459952.13), dbSNP rs754312389, ClinGen allele CA9234477.
Genomic context (GRCh38, chr19:12,896,306, plus strand): 5'-CTCGGTGTGAAGATGGCTGCATTCGGGGCTTCCTGCTGGAGAAGGGGATGCGGGGTCTCT[C>T]GGCCCCCAGGATCCAGGGCAAGTTCTCGCTGCGGGCCTCAGCCACAGGCATGATCATCAT-3'
Protein context (NP_000150.1, residues 236-256): FLLEKGMRGL[Ser246Leu]APRIQGKFSL

ClinVar aggregate classification (germline): Likely pathogenic. Review status: criteria provided, multiple submitters, no conflicts (2 of 4 stars). 2 submissions from 2 submitters: Likely pathogenic (2). Last evaluated 2025-09-24.

Conditions:
Glutaric aciduria, type 1. Also called: Glutaricaciduria, type I; Glutaric Acidemia Type 1; Glutaryl-CoA dehydrogenase deficiency; GA I; Glutaric acidemia type I; Glutaricacidemia Type 1. Identifiers: Orphanet 25, MedGen C0268595, MONDO:0009281, OMIM 231670.

Allele frequency attached by ClinVar (database versions not stated): gnomAD 0.00001; gnomAD exomes 0.00001 and 0.00002; TOPMed 0.00001; ExAC 0.00002.
gnomAD v4.1: 14 of 1,613,904 alleles (0.00087%); highest among the groups gnomAD compares: East Asian, 0.0045%; no homozygotes.

Submissions (2):

Labcorp Genetics (formerly Invitae), Labcorp
Classification: Likely pathogenic for Glutaric aciduria, type 1. Last evaluated: 2025-09-24. Review status: criteria provided, single submitter. Criteria: Invitae Variant Classification Sherloc (09022015). Collection method: clinical testing. Allele origin: germline.
Comment: This sequence change replaces serine, which is neutral and polar, with leucine, which is neutral and non-polar, at codon 246 of the GCDH protein (p.Ser246Leu). This variant is present in population databases (rs754312389, gnomAD 0.01%). This missense change has been observed in individual(s) with glutaric aciduria type I (internal data). In at least one individual the data is consistent with being in trans (on the opposite chromosome) from a pathogenic variant. ClinVar contains an entry for this variant (Variation ID: 459952). Invitae Evidence Modeling of protein sequence and biophysical properties (such as structural, functional, and spatial information, amino acid conservation, physicochemical variation, residue mobility, and thermodynamic stability) indicates that this missense variant is not expected to disrupt GCDH protein function with a negative predictive value of 80%. In summary, the currently available evidence indicates that the variant is pathogenic, but additional data are needed to prove that conclusively. Therefore, this variant has been classified as Likely Pathogenic.

Women's Health and Genetics/Laboratory Corporation of America, LabCorp
Classification: Likely pathogenic for Glutaric aciduria, type 1. Last evaluated: 2021-07-27. Review status: criteria provided, single submitter. Criteria: LabCorp Variant Classification Summary - May 2015. Collection method: clinical testing. Allele origin: germline.
Comment: Variant summary: GCDH c.737C>T (p.Ser246Leu) results in a non-conservative amino acid change located in the Acyl-CoA oxygenase/dehydrogenase, central domain (IPR006091) of the encoded protein sequence. Four of five in-silico tools predict a damaging effect of the variant on protein function. The variant allele was found at a frequency of 2.4e-05 in 251406 control chromosomes. To our knowledge, c.737C>T has not been reported in the literature in individuals affected with Glutaric Acidemia Type 1. However, it has been reportedly observed in trans with another pathogenic variant in at-least one individual fulfilling the clinical and biochemical diagnosis of Glutaric Acidemic type 1 as reported within the data sharing community of the ClinVar database. Another publication has reported this variant with a classification of likely pathogenic in the setting of preconception carrier screening but does not provide a traceable evidence rationale supporting this assertion (Capalbo_2019). To our knowledge, no experimental evidence demonstrating an impact on protein function has been reported. As alluded to above, one clinical diagnostic laboratory has submitted clinical-significance assessments for this variant to ClinVar after 2014 without evidence for independent evaluation and classified the variant as likely pathogenic. Based on the evidence outlined above, the variant was classified as likely pathogenic.

Literature cited by the submitters: PubMed 31589614 (cited by Women's Health and Genetics/Laboratory Corporation of America, LabCorp).